The following is an entry in ClinVar:

ClinVar aggregate classification (germline): Uncertain significance (1 of 4 stars; one submission).

gnomAD v4.1: 1 of 1,046,542 alleles (0.000096%); highest among the groups gnomAD compares: Admixed American, 0.002%; no homozygotes.

Submission:

Women's Health and Genetics/Laboratory Corporation of America, LabCorp
Classification: Uncertain significance. Last evaluated: 2025-03-24. Review status: criteria provided, single submitter. Criteria: LabCorp Variant Classification Summary - May 2015. Collection method: clinical testing. Allele origin: germline.
Comment: Variant summary: AUTS2 c.1277C>A (p.Pro426His) results in a non-conservative amino acid change in the encoded protein sequence. Three of five in-silico tools predict a damaging effect of the variant on protein function. The variant allele was found at a frequency of 6.4e-06 in 156908 control chromosomes. The available data on variant occurrences in the general population are insufficient to allow any conclusion about variant significance. To our knowledge, no occurrence of c.1277C>A in individuals affected with Autism Spectrum Disorder Due To AUTS2 Deficiency and no experimental evidence demonstrating its impact on protein function have been reported. No submitters have cited clinical-significance assessments for this variant to ClinVar. Based on the evidence outlined above, the variant was classified as uncertain significance.

NM_015570.4(AUTS2):c.1277C>A (p.Pro426His)

Gene: AUTS2 (activator of transcription and developmental regulator AUTS2; plus strand). Cytogenetic location: 7q11.22.
Variant type: single nucleotide variant.
Coding change: c.1277C>A on transcript NM_015570.4 (MANE Select); coding-DNA position 1277, C replaced by A.
Protein change: p.Pro426His; replaces proline 426 with histidine.
Molecular consequence: missense variant.
Genome position (GRCh38, 1-based): chr7:70,764,814, C>A. VCF-style: chr7-70764814-C-A. GRCh37 (hg19) VCF-style: chr7-70229800-C-A.
Other names: c.1277C>A, p.Pro426His (NM_001127231.3); short protein forms P426H.
Identifiers: ClinVar variation 3896010 (VCV003896010.1).